The following is an entry in ClinVar:

ClinVar aggregate classification (germline): Pathogenic (1 of 4 stars; one submission).

Submission:

GeneDx
Classification: Pathogenic. Last evaluated: 2024-09-09. Review status: criteria provided, single submitter. Criteria: GeneDx Variant Classification Process June 2021. Collection method: clinical testing. Allele origin: germline. Affected: yes.
Comment: Frameshift variant predicted to result in protein truncation or nonsense mediated decay in a gene for which loss of function is a known mechanism of disease; Not observed at significant frequency in large population cohorts (gnomAD); This variant is associated with the following publications: (PMID: 30143849)

NM_000088.3(COL1A1):c.905del

Genes: COL1A1 (collagen type I alpha 1 chain; minus strand), LOC126862586 (CDK7 strongly-dependent group 2 enhancer GRCh37_chr17:48273702-48274901; plus strand). Cytogenetic location: 17q21.33.
Variant type: Deletion.
Coding change: c.905del on transcript NM_000088.3; coding-DNA position 905, one base deleted (G; older notation c.905delG).
Genome position (GRCh38, 1-based): chr17:50,196,366, C deleted on the plus strand (G on the coding strand, the reverse complement: COL1A1 is on the minus strand); the first of 3 consecutive C bases (chr17:50,196,366-50,196,368); deleting any one gives the same sequence. VCF-style (leftmost placement, unchanged base first): chr17-50196365-GC-G. GRCh37 (hg19) VCF-style: chr17-48273726-GC-G.
Identifiers: ClinVar variation 3767663 (VCV003767663.1).
Genomic context (GRCh38, chr17:50,196,365, plus strand): 5'-AGTACTTACAGCAGGGCCAGGGGCTCCAGGGCGACCTCTCTCACCAGGCAGGCCACGGGG[GC>G]CCTGACAACCAAACCAAGAGAAGTCAGATGAGATGGGAGACAGCCTTGTTCCCCCAGGCC-3'